The following is an entry in ClinVar:

NM_173628.4(DNAH17):c.2392-7C>T

Gene: DNAH17 (dynein axonemal heavy chain 17; minus strand). Cytogenetic location: 17q25.3.
Variant type: single nucleotide variant.
Coding change: c.2392-7C>T on transcript NM_173628.4 (MANE Select); 7 bases into the intron before coding-DNA position 2392, C replaced by T.
Molecular consequence: intron variant.
Genome position (GRCh38, 1-based): chr17:78,544,004, G>A on the plus strand (C>T on the coding strand, the complement: DNAH17 is on the minus strand). VCF-style: chr17-78544004-G-A. GRCh37 (hg19) VCF-style: chr17-76540086-G-A.
Identifiers: ClinVar variation 3039713 (VCV003039713.11), dbSNP rs114331033, ClinGen allele CA8804708.

ClinVar aggregate classification (germline): Likely benign. Review status: criteria provided, multiple submitters, no conflicts (2 of 4 stars). 3 submissions from 3 submitters: Likely benign (2). 1 of the submissions does not count toward it. Last evaluated 2025-07-01.

Conditions:
DNAH17-related disorder. Also called: DNAH17-related condition.

Allele frequency attached by ClinVar (database versions not stated): gnomAD exomes 0.00033; ExAC 0.00091; ESP Exome Variant Server 0.00254; gnomAD 0.00265; TOPMed 0.00318; 1000 Genomes Project 30x 0.00437; 1000 Genomes Project 0.00439.
gnomAD v4.1: 927 of 1,613,988 alleles (0.057%); highest among the groups gnomAD compares: African/African-American, 0.96%; 7 homozygotes.

Submissions (3):

CeGaT Center for Human Genetics Tuebingen
Classification: Likely benign. Last evaluated: 2025-07-01. Review status: criteria provided, single submitter. Criteria: CeGaT Center For Human Genetics Tuebingen Variant Classification Criteria Version 2. Collection method: clinical testing. Allele origin: germline. Affected: yes. Observed: 1 variant allele.
Comment: DNAH17: BP4, BS2

Blueprint Genetics
Classification: Likely benign. Last evaluated: 2024-10-18. Review status: criteria provided, single submitter. Criteria: ACMG Guidelines, 2015. Collection method: clinical testing. Allele origin: germline.

PreventionGenetics, part of Exact Sciences
Classification: Benign for DNAH17-related condition. Last evaluated: 2019-05-21. Review status: no assertion criteria provided. Collection method: clinical testing. Allele origin: germline. Not counted in ClinVar's aggregate classification.
Comment: This variant is classified as benign based on ACMG/AMP sequence variant interpretation guidelines (Richards et al. 2015 PMID: 25741868, with internal and published modifications).